The following is an entry in ClinVar:

ClinVar aggregate classification (germline): Uncertain significance. Review status: criteria provided, multiple submitters, no conflicts (2 of 4 stars). 2 submissions from 2 submitters: Uncertain significance (2). Last evaluated 2025-06-27.

Conditions:
Hereditary cancer-predisposing syndrome. Also called: Neoplastic Syndromes, Hereditary; Hereditary neoplastic syndrome; Tumor predisposition; Hereditary Cancer Syndrome. Identifiers: Orphanet 140162, MedGen C0027672, MeSH D009386, MONDO:0015356.

Submissions (2):

Ambry Genetics
Classification: Uncertain significance for Hereditary cancer-predisposing syndrome. Last evaluated: 2025-06-27. Review status: criteria provided, single submitter. Criteria: Ambry Variant Classification Scheme 2023. Collection method: clinical testing. Allele origin: germline.
Comment: The p.E580G variant (also known as c.1739A>G), located in coding exon 8 of the BARD1 gene, results from an A to G substitution at nucleotide position 1739. The glutamic acid at codon 580 is replaced by glycine, an amino acid with similar properties. This amino acid position is conserved. In addition, this alteration is predicted to be tolerated by in silico analysis. Based on the available evidence, the clinical significance of this variant remains unclear.

Quest Diagnostics Nichols Institute San Juan Capistrano
Classification: Uncertain significance. Last evaluated: 2023-08-30. Review status: criteria provided, single submitter. Criteria: Quest Diagnostics criteria. Collection method: clinical testing. Allele origin: unknown.
Comment: To the best of our knowledge, this variant has not been reported in the published literature. It also has not been reported in large, multi-ethnic general populations (Genome Aggregation Database). Analysis of this variant using bioinformatics tools for the prediction of the effect of amino acid changes on protein structure and function yielded conflicting predictions that this variant is benign or damaging. Based on the available information, we are unable to determine the clinical significance of this variant.

NM_000465.4(BARD1):c.1739A>G (p.Glu580Gly)

Gene: BARD1 (BRCA1 associated RING domain 1; minus strand). Cytogenetic location: 2q35.
Variant type: single nucleotide variant.
Coding change: c.1739A>G on transcript NM_000465.4 (MANE Select); coding-DNA position 1739, A replaced by G.
Protein change: p.Glu580Gly; replaces glutamic acid 580 with glycine.
Molecular consequence: missense variant. On other transcripts: non-coding transcript variant (3), intron variant (1).
Genome position (GRCh38, 1-based): chr2:214,745,793, T>C on the plus strand (A>G on the coding strand, the complement: BARD1 is on the minus strand). VCF-style: chr2-214745793-T-C. GRCh37 (hg19) VCF-style: chr2-215610517-T-C.
Other names: c.1739A>G (NM_000465.2); c.1682A>G, p.Glu561Gly (NM_001282543.2); c.386A>G, p.Glu129Gly (NM_001282545.2); c.329A>G, p.Glu110Gly (NM_001282548.2); c.365-15285A>G (NM_001282549.2); short protein forms E110G, E129G, E561G, E580G.
Identifiers: ClinVar variation 2682138 (VCV002682138.2), dbSNP rs2469342882, ClinGen allele CA350453040.
Genomic context (GRCh38, chr2:214,745,793, plus strand): 5'-AACTCAGTATATTTTTTAGCCTTAAGAATTACTGCAAGCTCACTGAGCATTTTCTGTTGT[T>C]CTGAAGACAGCCCACTGCCTATAAGTACAAGAGGTCCATCCCTACGCTGCCCAGTGTTCA-3'
Protein context (NP_000456.2, residues 570-590): LVLIGSGLSS[Glu580Gly]QQKMLSELAV